The following is an entry in ClinVar:

ClinVar aggregate classification (germline): Uncertain significance. Review status: criteria provided, multiple submitters, no conflicts (2 of 4 stars). 2 submissions from 2 submitters: Uncertain significance (2). Last evaluated 2023-12-27.

Allele frequency attached by ClinVar (database versions not stated): TOPMed below 0.00001; gnomAD 0.00001; gnomAD exomes 0.00001.
gnomAD v4.1: 13 of 1,612,774 alleles (0.00081%); highest among the groups gnomAD compares: Admixed American, 0.0017%; no homozygotes.

Submissions (2):

Ambry Genetics
Classification: Uncertain significance. Last evaluated: 2023-12-27. Review status: criteria provided, single submitter. Criteria: Ambry Variant Classification Scheme 2023. Collection method: clinical testing. Allele origin: germline.

Labcorp Genetics (formerly Invitae), Labcorp
Classification: Uncertain significance. Last evaluated: 2022-06-17. Review status: criteria provided, single submitter. Criteria: Invitae Variant Classification Sherloc (09022015). Collection method: clinical testing. Allele origin: germline.
Comment: In summary, the available evidence is currently insufficient to determine the role of this variant in disease. Therefore, it has been classified as a Variant of Uncertain Significance. Algorithms developed to predict the effect of missense changes on protein structure and function output the following: SIFT: "Tolerated"; PolyPhen-2: "Benign"; Align-GVGD: "Class C0". The methionine amino acid residue is found in multiple mammalian species, which suggests that this missense change does not adversely affect protein function. This variant has not been reported in the literature in individuals affected with PIGC-related conditions. This variant is present in population databases (no rsID available, gnomAD 0.003%). This sequence change replaces valine, which is neutral and non-polar, with methionine, which is neutral and non-polar, at codon 6 of the PIGC protein (p.Val6Met).

NM_153747.2(PIGC):c.16G>A (p.Val6Met)

Genes: C1orf105 (chromosome 1 open reading frame 105; plus strand), PIGC (phosphatidylinositol glycan anchor biosynthesis class C; minus strand). Cytogenetic location: 1q24.3.
Variant type: single nucleotide variant.
Coding change: c.16G>A on transcript NM_153747.2 (MANE Select); coding-DNA position 16, G replaced by A.
Protein change: p.Val6Met; replaces valine 6 with methionine.
Molecular consequence: missense variant. On other transcripts: intron variant (1).
Genome position (GRCh38, 1-based): chr1:172,442,607, C>T on the plus strand (G>A on the coding strand, the complement: PIGC is on the minus strand). VCF-style: chr1-172442607-C-T. GRCh37 (hg19) VCF-style: chr1-172411747-C-T.
Other names: c.16G>A, p.Val6Met (NM_002642.4); c.22-2466C>T (NM_139240.4); short protein forms V6M.
Identifiers: ClinVar variation 1930939 (VCV001930939.6), dbSNP rs1416846556, ClinGen allele CA343734202.